The following is an entry in ClinVar:

ClinVar aggregate classification (germline): Uncertain significance (1 of 4 stars; one submission).

Submission:

Labcorp Genetics (formerly Invitae), Labcorp
Classification: Uncertain significance. Last evaluated: 2022-10-05. Review status: criteria provided, single submitter. Criteria: Invitae Variant Classification Sherloc (09022015). Collection method: clinical testing. Allele origin: germline.
Comment: This variant results in a copy number gain of the genomic region encompassing exon(s) 1-8 of the OBSL1 gene. This region includes the initiator codon of the gene. This copy number gain extends beyond the assayed region for this gene and therefore may encompass additional genes. As the precise location of this event is unknown, it may be in tandem or it may be located elsewhere in the genome. This variant has not been reported in the literature in individuals affected with OBSL1-related conditions. In summary, the available evidence is currently insufficient to determine the role of this variant in disease. Therefore, it has been classified as a Variant of Uncertain Significance.

NC_000002.11:g.(?_220427104)_(220435954_?)dup

Gene: OBSL1 (obscurin like cytoskeletal adaptor 1; minus strand). Cytogenetic location: 2q35.
Variant type: Duplication.
Identifiers: ClinVar variation 2426137 (VCV002426137.3).